The following is an entry in ClinVar:

NM_000051.4(ATM):c.8787-9dup

Genes: ATM (ATM serine/threonine kinase; plus strand), C11orf65 (chromosome 11 open reading frame 65; minus strand). Cytogenetic location: 11q22.3.
Variant type: Duplication.
Coding change: c.8787-9dup on transcript NM_000051.4 (MANE Select); 9 bases into the intron before coding-DNA position 8787, one base duplicated (T; older notation c.8787-9dupT).
Molecular consequence: intron variant.
Genome position (GRCh38, 1-based): chr11:108,354,802, T duplicated; the last of 3 consecutive T bases (chr11:108,354,800-108,354,802); duplicating any one gives the same sequence. VCF-style (leftmost placement, unchanged base first): chr11-108354799-G-GT. GRCh37 (hg19) VCF-style: chr11-108225526-G-GT.
Other names: c.8787-9dup (NM_001351834.2); c.640+31120dup (NM_001330368.2); c.695-19508dup (NM_001351110.2).
Identifiers: ClinVar variation 2697808 (VCV002697808.4), dbSNP rs2547534623, ClinGen allele CA2697558889.

ClinVar aggregate classification (germline): Likely benign. Review status: criteria provided, multiple submitters, no conflicts (2 of 4 stars). 2 submissions from 2 submitters: Likely benign (2). Last evaluated 2024-09-02.

Conditions:
Ataxia-telangiectasia syndrome (AT). Also called: LOUIS-BAR SYNDROME; Cerebello-oculocutaneous telangiectasia; Immunodeficiency with ataxia telangiectasia; Ataxia telangiectasia (A-T); Ataxia-telangiectasia, complementation group D; AT, COMPLEMENTATION GROUP C. Identifiers: Orphanet 100, MedGen C0004135, MONDO:0008840, OMIM 208900.
Familial cancer of breast. Also called: BREAST CANCER, FAMILIAL; Hereditary breast cancer; hereditary breast carcinoma. Identifiers: Orphanet 227535, MedGen C0346153, MONDO:0016419, OMIM 114480. Disease mechanism: loss of function.

Submissions (2):

Labcorp Genetics (formerly Invitae), Labcorp
Classification: Likely benign for Ataxia-telangiectasia syndrome. Last evaluated: 2024-09-02. Review status: criteria provided, single submitter. Criteria: Invitae Variant Classification Sherloc (09022015). Collection method: clinical testing. Allele origin: germline.

Myriad Genetics, Inc.
Classification: Likely benign for Familial cancer of breast. Last evaluated: 2024-06-21. Review status: criteria provided, single submitter. Criteria: Myriad Autosomal Dominant, Autosomal Recessive and X-Linked Classification Criteria (2023). Collection method: clinical testing. Allele origin: unknown.
Comment: This variant is considered likely benign. This variant is intronic and is not expected to impact mRNA splicing.